The following is an entry in ClinVar:

NM_001020658.2(PUM1):c.6C>A (p.Ser2Arg)

Gene: PUM1 (pumilio RNA binding family member 1; minus strand). Cytogenetic location: 1p35.2.
Variant type: single nucleotide variant.
Coding change: c.6C>A on transcript NM_001020658.2 (MANE Select); coding-DNA position 6, C replaced by A.
Protein change: p.Ser2Arg; replaces serine 2 with arginine.
Molecular consequence: missense variant.
Genome position (GRCh38, 1-based): chr1:31,059,561, G>T on the plus strand (C>A on the coding strand, the complement: PUM1 is on the minus strand). VCF-style: chr1-31059561-G-T. GRCh37 (hg19) VCF-style: chr1-31532408-G-T.
Other names: c.6C>A, p.Ser2Arg (NM_014676.3); short protein forms S2R.
Identifiers: ClinVar variation 4686338 (VCV004686338.1).

ClinVar aggregate classification (germline): Uncertain significance (1 of 4 stars; one submission).

Submission:

GeneDx
Classification: Uncertain significance. Last evaluated: 2025-07-14. Review status: criteria provided, single submitter. Criteria: GeneDx Variant Classification Process June 2021. Collection method: clinical testing. Allele origin: germline. Affected: yes.
Comment: Not observed at significant frequency in large population cohorts (gnomAD); In silico analysis supports that this missense variant has a deleterious effect on protein structure/function; Has not been previously published as pathogenic or benign to our knowledge